The following is an entry in ClinVar:

NM_000444.6(PHEX):c.1157G>A (p.Trp386Ter)

Gene: PHEX (phosphate regulating endopeptidase X-linked; plus strand). Cytogenetic location: Xp22.11.
Variant type: single nucleotide variant.
Coding change: c.1157G>A on transcript NM_000444.6 (MANE Select); coding-DNA position 1157, G replaced by A.
Protein change: p.Trp386Ter; replaces tryptophan 386 with a stop codon.
Molecular consequence: nonsense.
Genome position (GRCh38, 1-based): chrX:22,111,544, G>A. VCF-style: chrX-22111544-G-A. GRCh37 (hg19) VCF-style: chrX-22129662-G-A.
Other names: c.1157G>A, p.Trp386Ter (NM_001282754.2); short protein forms W386*.
Identifiers: ClinVar variation 803752 (VCV000803752.12), dbSNP rs1602304005, ClinGen allele CA412573248.

ClinVar aggregate classification (germline): Pathogenic. Review status: criteria provided, multiple submitters, no conflicts (2 of 4 stars). 3 submissions from 3 submitters: Pathogenic (3). Last evaluated 2024-08-09.

Conditions:
PHEX-related disorder. Also called: PHEX-related condition.
Familial X-linked hypophosphatemic vitamin D refractory rickets (XLHRD). Also called: Hypophosphatemia, vitamin D-resistant rickets; Vitamin D-resistant rickets, X-linked; X-Linked Hypophosphatemia; HYPOPHOSPHATEMIC VITAMIN D-RESISTANT RICKETS; Hypophosphatemic Rickets, X-Linked Dominant. Identifiers: Orphanet 89936, MedGen C0733682, MONDO:0010619, OMIM 307800.

Submissions (3):

Labcorp Genetics (formerly Invitae), Labcorp
Classification: Pathogenic. Last evaluated: 2024-08-09. Review status: criteria provided, single submitter. Criteria: Invitae Variant Classification Sherloc (09022015). Collection method: clinical testing. Allele origin: germline.
Comment: This sequence change creates a premature translational stop signal (p.Trp386*) in the PHEX gene. It is expected to result in an absent or disrupted protein product. Loss-of-function variants in PHEX are known to be pathogenic (PMID: 9097956, 9106524, 19219621). This variant is not present in population databases (gnomAD no frequency). This premature translational stop signal has been observed in individuals with hypophosphatemia (PMID: 10737991, 29460029, 32329911; Invitae). ClinVar contains an entry for this variant (Variation ID: 803752). Algorithms developed to predict the effect of sequence changes on RNA splicing suggest that this variant may disrupt the consensus splice site. For these reasons, this variant has been classified as Pathogenic.

Blueprint Genetics
Classification: Pathogenic for PHEX-related disorders. Last evaluated: 2022-06-16. Review status: criteria provided, single submitter. Criteria: ACMG Guidelines, 2015. Collection method: clinical testing. Allele origin: germline. Affected: yes. Observed: 1 variant allele.

Mendelics
Classification: Pathogenic for Familial X-linked hypophosphatemic vitamin D refractory rickets. Last evaluated: 2019-05-28. Review status: criteria provided, single submitter. Criteria: Mendelics Assertion Criteria 2017. Collection method: clinical testing. Allele origin: unknown.

Literature cited by the submitters: PubMed 9097956 (cited by Labcorp Genetics (formerly Invitae), Labcorp); PubMed 9106524 (cited by Labcorp Genetics (formerly Invitae), Labcorp); PubMed 19219621 (cited by Labcorp Genetics (formerly Invitae), Labcorp); PubMed 10737991 (cited by Labcorp Genetics (formerly Invitae), Labcorp); PubMed 29460029 (cited by Labcorp Genetics (formerly Invitae), Labcorp); PubMed 32329911 (cited by Labcorp Genetics (formerly Invitae), Labcorp).